The following is an entry in ClinVar:

NM_002529.4(NTRK1):c.2143del (p.Val715fs)

Gene: NTRK1 (neurotrophic receptor tyrosine kinase 1; plus strand). Cytogenetic location: 1q23.1.
Variant type: Deletion.
Coding change: c.2143del on transcript NM_002529.4 (MANE Select); coding-DNA position 2143, one base deleted (G; older notation c.2143delG).
Protein change: p.Val715fs; shifts the reading frame from valine 715.
Molecular consequence: frameshift variant.
Genome position (GRCh38, 1-based): chr1:156,880,095, G deleted. VCF-style (leftmost placement, unchanged base first): chr1-156880094-CG-C. GRCh37 (hg19) VCF-style: chr1-156849886-CG-C.
Other names: c.2035del, p.Val679fs (NM_001007792.1); c.2125del, p.Val709fs (NM_001012331.2); short protein forms V679fs, V709fs, V715fs.
Identifiers: ClinVar variation 938152 (VCV000938152.9), dbSNP rs1648170217, ClinGen allele CA1139656370.
Genomic context (GRCh38, chr1:156,880,094, plus strand): 5'-GCCGCCCGAGAGCATCCTGTACCGTAAGTTCACCACCGAGAGCGACGTGTGGAGCTTCGG[CG>C]TGGTGCTCTGGGAGATCTTCACCTACGGCAAGCAGCCCTGGTACCAGCTCTCCAACACGG-3'

ClinVar aggregate classification (germline): Pathogenic (1 of 4 stars; one submission).

Conditions:
Hereditary insensitivity to pain with anhidrosis (CIPA). Also called: NTRK1 Congenital Insensitivity to Pain with Anhidrosis; INSENSITIVITY TO PAIN, CONGENITAL, WITH ANHIDROSIS; HSAN Type IV; hereditary sensory and autonomic neuropathy type 4; NEUROPATHY, CONGENITAL SENSORY, WITH ANHIDROSIS; FAMILIAL DYSAUTONOMIA, TYPE II. Identifiers: Orphanet 642, MedGen C0020074, MONDO:0009746, OMIM 256800.

Submission:

Labcorp Genetics (formerly Invitae), Labcorp
Classification: Pathogenic for Hereditary insensitivity to pain with anhidrosis. Last evaluated: 2023-10-03. Review status: criteria provided, single submitter. Criteria: Invitae Variant Classification Sherloc (09022015). Collection method: clinical testing. Allele origin: germline.
Comment: This sequence change results in a frameshift in the NTRK1 gene (p.Val709Trpfs*105). While this is not anticipated to result in nonsense mediated decay, it is expected to disrupt the last 82 amino acid(s) of the NTRK1 protein and extend the protein by 22 additional amino acid residues. This variant is not present in population databases (gnomAD no frequency). This variant has not been reported in the literature in individuals affected with NTRK1-related conditions. ClinVar contains an entry for this variant (Variation ID: 938152). This variant disrupts a region of the NTRK1 protein in which other variant(s) (p.Pro762Leu ) have been determined to be pathogenic (PMID: 15534759, 22032467, 23112235). This suggests that this is a clinically significant region of the protein, and that variants that disrupt it are likely to be disease-causing. For these reasons, this variant has been classified as Pathogenic.

Literature cited by the submitters: PubMed 15534759; PubMed 22032467; PubMed 23112235.